The following is an entry in ClinVar:

ClinVar aggregate classification (germline): Uncertain significance (1 of 4 stars; one submission).

gnomAD v4.1: 1 of 1,592,944 alleles (0.000063%); highest among the groups gnomAD compares: East Asian, 0.0023%; no homozygotes.

Submission:

Labcorp Genetics (formerly Invitae), Labcorp
Classification: Uncertain significance. Last evaluated: 2024-12-22. Review status: criteria provided, single submitter. Criteria: Invitae Variant Classification Sherloc (09022015). Collection method: clinical testing. Allele origin: germline.
Comment: This sequence change replaces tyrosine, which is neutral and polar, with cysteine, which is neutral and slightly polar, at codon 600 of the FOCAD protein (p.Tyr600Cys). The frequency data for this variant in the population databases is considered unreliable, as metrics indicate poor data quality at this position in the gnomAD database. This variant has not been reported in the literature in individuals affected with FOCAD-related conditions. Experimental studies and prediction algorithms are not available or were not evaluated, and the functional significance of this variant is currently unknown. In summary, the available evidence is currently insufficient to determine the role of this variant in disease. Therefore, it has been classified as a Variant of Uncertain Significance.

NM_001375567.1(FOCAD):c.1799A>G (p.Tyr600Cys)

Gene: FOCAD (focadhesin; plus strand). Cytogenetic location: 9p21.3.
Variant type: single nucleotide variant.
Coding change: c.1799A>G on transcript NM_001375567.1 (MANE Select); coding-DNA position 1799, A replaced by G.
Protein change: p.Tyr600Cys; replaces tyrosine 600 with cysteine.
Molecular consequence: missense variant.
Genome position (GRCh38, 1-based): chr9:20,822,994, A>G. VCF-style: chr9-20822994-A-G. GRCh37 (hg19) VCF-style: chr9-20822993-A-G.
Other names: c.1694A>G, p.Tyr565Cys (NM_001375568.1, NM_001375570.1); c.1799A>G, p.Tyr600Cys (NM_017794.5); short protein forms Y565C, Y600C.
Identifiers: ClinVar variation 3622343 (VCV003622343.2).